The following is an entry in ClinVar:

NM_001267550.2(TTN):c.93399T>A (p.Ala31133=)

Genes: TTN (titin; minus strand), TTN-AS1 (TTN antisense RNA 1; plus strand). Cytogenetic location: 2q31.2.
Variant type: single nucleotide variant.
Coding change: c.93399T>A on transcript NM_001267550.2 (MANE Select); coding-DNA position 93399, T replaced by A.
Protein change: p.Ala31133=; no amino-acid change (alanine 31133 retained).
Molecular consequence: synonymous variant.
Genome position (GRCh38, 1-based): chr2:178,548,227, A>T on the plus strand (T>A on the coding strand, the complement: TTN is on the minus strand). VCF-style: chr2-178548227-A-T. GRCh37 (hg19) VCF-style: chr2-179412954-A-T.
Other names: c.88476T>A, p.Ala29492= (NM_001256850.1); c.66204T>A, p.Ala22068= (NM_003319.4); c.85695T>A, p.Ala28565= (NM_133378.4); c.66579T>A, p.Ala22193= (NM_133432.3); c.66780T>A, p.Ala22260= (NM_133437.4).
Identifiers: ClinVar variation 518179 (VCV000518179.13), dbSNP rs1553529493, ClinGen allele CA430243158.

ClinVar aggregate classification (germline): Likely benign. Review status: criteria provided, multiple submitters, no conflicts (2 of 4 stars). 3 submissions from 3 submitters: Likely benign (3). Last evaluated 2024-10-10.

Conditions:
Dilated cardiomyopathy 1G (CMD1G). Identifiers: Orphanet 154, MedGen C1858763, MONDO:0011400, OMIM 604145.
Autosomal recessive limb-girdle muscular dystrophy type 2J (LGMDR10). Also called: Limb-girdle muscular dystrophy, type 2J; MUSCULAR DYSTROPHY, LIMB-GIRDLE, AUTOSOMAL RECESSIVE 10. Identifiers: Orphanet 140922, MedGen C1837342, MONDO:0012127, OMIM 608807.

Submissions (3):

Labcorp Genetics (formerly Invitae), Labcorp
Classification: Likely benign for Dilated cardiomyopathy 1G; Autosomal recessive limb-girdle muscular dystrophy type 2J. Last evaluated: 2024-10-10. Review status: criteria provided, single submitter. Criteria: Invitae Variant Classification Sherloc (09022015). Collection method: clinical testing. Allele origin: germline.

Blueprint Genetics
Classification: Likely benign. Last evaluated: 2019-11-11. Review status: criteria provided, single submitter. Criteria: ACMG Guidelines, 2015. Collection method: clinical testing. Allele origin: germline.

GeneDx
Classification: Likely benign. Last evaluated: 2017-06-16. Review status: criteria provided, single submitter. Criteria: GeneDx Variant Classification (06012015). Collection method: clinical testing. Allele origin: germline. Affected: yes.
Comment: This variant is considered likely benign or benign based on one or more of the following criteria: it is a conservative change, it occurs at a poorly conserved position in the protein, it is predicted to be benign by multiple in silico algorithms, and/or has population frequency not consistent with disease.